The following is an entry in ClinVar:

NM_000059.4(BRCA2):c.7154T>C (p.Val2385Ala)

Gene: BRCA2 (BRCA2 DNA repair associated; plus strand). Cytogenetic location: 13q13.1.
Variant type: single nucleotide variant.
Coding change: c.7154T>C on transcript NM_000059.4 (MANE Select); coding-DNA position 7154, T replaced by C.
Protein change: p.Val2385Ala; replaces valine 2385 with alanine.
Molecular consequence: missense variant.
Genome position (GRCh38, 1-based): chr13:32,355,007, T>C. VCF-style: chr13-32355007-T-C. GRCh37 (hg19) VCF-style: chr13-32929144-T-C.
Other names: short protein forms V2385A.
Identifiers: ClinVar variation 1171889 (VCV001171889.4), dbSNP rs1555286021, ClinGen allele CA387739276.

ClinVar aggregate classification (germline): Uncertain significance. Review status: criteria provided, multiple submitters, no conflicts (2 of 4 stars). 2 submissions from 2 submitters: Uncertain significance (2). Last evaluated 2024-03-07.

Conditions:
Hereditary cancer-predisposing syndrome. Also called: Tumor predisposition; Hereditary neoplastic syndrome; Hereditary Cancer Syndrome; Neoplastic Syndromes, Hereditary. Identifiers: Orphanet 140162, MedGen C0027672, MeSH D009386, MONDO:0015356.

Submissions (2):

Color Diagnostics, LLC DBA Color Health
Classification: Uncertain significance for Hereditary cancer-predisposing syndrome. Last evaluated: 2024-03-07. Review status: criteria provided, single submitter. Criteria: ACMG Guidelines, 2015. Collection method: clinical testing. Allele origin: germline.
Comment: This missense variant replaces valine with alanine at codon 2385 of the BRCA2 protein. Computational prediction suggests that this variant may not impact protein structure and function (internally defined REVEL score threshold <= 0.5, PMID: 27666373). To our knowledge, functional studies have not been reported for this variant. This variant has not been reported in individuals affected with hereditary cancer in the literature. This variant has not been identified in the general population by the Genome Aggregation Database (gnomAD). The available evidence is insufficient to determine the role of this variant in disease conclusively. Therefore, this variant is classified as a Variant of Uncertain Significance.

Quest Diagnostics Nichols Institute San Juan Capistrano
Classification: Uncertain significance. Last evaluated: 2023-05-04. Review status: criteria provided, single submitter. Criteria: Quest Diagnostics criteria. Collection method: clinical testing. Allele origin: unknown.
Comment: This variant has not been reported in the published literature. It also has not been reported in large, multi-ethnic general populations. Analysis of this variant using bioinformatics tools for the prediction of the effect of amino acid changes on protein structure and function yielded predictions that this variant is benign. Based on the available information, we are unable to determine the clinical significance of this variant.